The following is an entry in ClinVar:

NM_004646.4(NPHS1):c.2512C>A (p.Pro838Thr)

Gene: NPHS1 (NPHS1 adhesion molecule, nephrin; minus strand). Cytogenetic location: 19q13.12.
Variant type: single nucleotide variant.
Coding change: c.2512C>A on transcript NM_004646.4 (MANE Select); coding-DNA position 2512, C replaced by A.
Protein change: p.Pro838Thr; replaces proline 838 with threonine.
Molecular consequence: missense variant.
Genome position (GRCh38, 1-based): chr19:35,842,275, G>T on the plus strand (C>A on the coding strand, the complement: NPHS1 is on the minus strand). VCF-style: chr19-35842275-G-T. GRCh37 (hg19) VCF-style: chr19-36333177-G-T.
Other names: short protein forms P838T.
Identifiers: ClinVar variation 1077027 (VCV001077027.1), dbSNP rs2146819513, ClinGen allele CA405392264.

ClinVar aggregate classification (germline): Likely pathogenic (1 of 4 stars; one submission).

Conditions:
Finnish congenital nephrotic syndrome (NPHS1). Also called: NEPHROTIC SYNDROME, TYPE 1. Identifiers: Orphanet 839, MedGen C0403399, MONDO:0009732, OMIM 256300.

gnomAD v4.1: 3 of 1,612,608 alleles (0.00019%); highest among the groups gnomAD compares: Non-Finnish European, 0.00025%; no homozygotes.

Submission:

Precision Medicine Center, Zhengzhou University
Classification: Likely pathogenic for Finnish congenital nephrotic syndrome. Review status: criteria provided, single submitter. Criteria: ACMG Guidelines, 2015. Collection method: research. Allele origin: germline. Affected: yes.
Comment: PM1:Located in a mutational hot spot PM2:not found in gnomAD PP2:Missense variant in a gene that has a low rate of benign missense variation and in which missense variants are a common mechanism of disease PP3:Multiple lines of computational evidence support a deleterious effect on the gene or gene product